The following is an entry in ClinVar:

NM_004463.3(FGD1):c.482-2A>G

Gene: FGD1 (FYVE, RhoGEF and PH domain containing 1; minus strand). Cytogenetic location: Xp11.22.
Variant type: single nucleotide variant.
Coding change: c.482-2A>G on transcript NM_004463.3 (MANE Select); the canonical splice acceptor site of the intron before coding-DNA position 482, A replaced by G.
Molecular consequence: splice acceptor variant.
Genome position (GRCh38, 1-based): chrX:54,470,762, T>C on the plus strand (A>G on the coding strand, the complement: FGD1 is on the minus strand). VCF-style: chrX-54470762-T-C. GRCh37 (hg19) VCF-style: chrX-54497195-T-C.
Identifiers: ClinVar variation 3046497 (VCV003046497.2), dbSNP rs2522716359, ClinGen allele CA413249659.
Genomic context (GRCh38, chrX:54,470,762, plus strand): 5'-GATGGGCTCCAGTGGGGGGGGCATCCGGGGCATCTGCAGGTAGCTGGGCTTTGGGGGCAC[T>C]GGAGAGACGAATGGGGAAGAGAGAAGGGAGACATCAGTGAGCTGGATTTGAGCCTGGCTA-3'

ClinVar aggregate classification (germline): Pathogenic (0 of 4 stars; one submission).

Conditions:
FGD1-related disorder. Also called: FGD1-related disorders; FGD1-related condition.

Submission:

PreventionGenetics, part of Exact Sciences
Classification: Pathogenic for FGD1-related condition. Last evaluated: 2023-12-08. Review status: no assertion criteria provided. Collection method: clinical testing. Allele origin: germline.
Comment: The FGD1 c.482-2A>G variant is predicted to disrupt the AG splice acceptor site and interfere with normal splicing. This variant was reported in a mother and a son with Aarskog-Scott syndrome (Altincik et al 2013. PubMed ID: 23443263). This variant has not been reported in a large population database, indicating this variant is rare. Variants that disrupt the consensus splice acceptor site in FGD1 are expected to be pathogenic. This variant is interpreted as pathogenic.